The following is an entry in ClinVar:

NM_001103.4(ACTN2):c.877-6G>C

Gene: ACTN2 (actinin alpha 2; plus strand). Cytogenetic location: 1q43.
Variant type: single nucleotide variant.
Coding change: c.877-6G>C on transcript NM_001103.4 (MANE Select); 6 bases into the intron before coding-DNA position 877, G replaced by C.
Molecular consequence: intron variant.
Genome position (GRCh38, 1-based): chr1:236,739,296, G>C. VCF-style: chr1-236739296-G-C. GRCh37 (hg19) VCF-style: chr1-236902596-G-C.
Other names: c.877-6G>C (NM_001278343.2).
Identifiers: ClinVar variation 2940610 (VCV002940610.3), dbSNP rs397516585, ClinGen allele CA2740092637.

ClinVar aggregate classification (germline): Uncertain significance (1 of 4 stars; one submission).

Conditions:
Primary familial hypertrophic cardiomyopathy (HCM). Identifiers: Orphanet 99739, MedGen C0949658, MeSH D024741, MONDO:0024573. Inheritance: Various modes of inheritance.
Dilated cardiomyopathy 1AA (CMD1AA). Also called: Cardiomyopathy, dilated, 1AA, with or without LVNC; CARDIOMYOPATHY, DILATED, 1AA, WITH OR WITHOUT LEFT VENTRICULAR NONCOMPACTION; CARDIOMYOPATHY, FAMILIAL HYPERTROPHIC, 23, WITH OR WITHOUT LEFT VENTRICULAR NONCOMPACTION. Identifiers: Orphanet 154, MedGen C2677338, MONDO:0012808, OMIM 612158.

Submission:

Labcorp Genetics (formerly Invitae), Labcorp
Classification: Uncertain significance for Primary familial hypertrophic cardiomyopathy; Dilated cardiomyopathy 1AA. Last evaluated: 2023-05-04. Review status: criteria provided, single submitter. Criteria: Invitae Variant Classification Sherloc (09022015). Collection method: clinical testing. Allele origin: germline.
Comment: In summary, the available evidence is currently insufficient to determine the role of this variant in disease. Therefore, it has been classified as a Variant of Uncertain Significance. Algorithms developed to predict the effect of sequence changes on RNA splicing suggest that this variant may disrupt the consensus splice site. This variant has not been reported in the literature in individuals affected with ACTN2-related conditions. This variant is not present in population databases (gnomAD no frequency). This sequence change falls in intron 9 of the ACTN2 gene. It does not directly change the encoded amino acid sequence of the ACTN2 protein.